The following is an entry in ClinVar:

ClinVar aggregate classification (germline): Uncertain significance (1 of 4 stars; one submission).

Conditions:
OPHN1-related disorder.

Submission:

PreventionGenetics, part of Exact Sciences
Classification: Uncertain significance for OPHN1-related condition. Last evaluated: 2023-06-18. Review status: criteria provided, single submitter. Criteria: ACMG Guidelines, 2015. Collection method: clinical testing. Allele origin: germline.
Comment: The OPHN1 c.1378G>C variant is predicted to result in the amino acid substitution p.Val460Leu. To our knowledge, this variant has not been reported in the literature or in a large population database, indicating this variant is rare. At this time, the clinical significance of this variant is uncertain due to the absence of conclusive functional and genetic evidence.

NM_002547.3(OPHN1):c.1378G>C (p.Val460Leu)

Gene: OPHN1 (oligophrenin 1; minus strand). Cytogenetic location: Xq12.
Variant type: single nucleotide variant.
Coding change: c.1378G>C on transcript NM_002547.3 (MANE Select); coding-DNA position 1378, G replaced by C.
Protein change: p.Val460Leu; replaces valine 460 with leucine.
Molecular consequence: missense variant.
Genome position (GRCh38, 1-based): chrX:68,113,223, C>G on the plus strand (G>C on the coding strand, the complement: OPHN1 is on the minus strand). VCF-style: chrX-68113223-C-G. GRCh37 (hg19) VCF-style: chrX-67333065-C-G.
Other names: short protein forms V460L.
Identifiers: ClinVar variation 2632208 (VCV002632208.1), dbSNP rs2519697390, ClinGen allele CA413431881.